The following is an entry in ClinVar:

ClinVar aggregate classification (germline): Benign (1 of 4 stars; one submission).

Conditions:
Familial cancer of breast. Also called: hereditary breast carcinoma; Hereditary breast cancer; BREAST CANCER, FAMILIAL. Identifiers: Orphanet 227535, MedGen C0346153, MONDO:0016419, OMIM 114480. Disease mechanism: loss of function.

Submission:

Myriad Genetics, Inc.
Classification: Benign for Familial cancer of breast. Last evaluated: 2024-09-09. Review status: criteria provided, single submitter. Criteria: Myriad Autosomal Dominant, Autosomal Recessive and X-Linked Classification Criteria (2023). Collection method: clinical testing. Allele origin: unknown.
Comment: This variant is considered benign. This variant is a silent/synonymous amino acid change and it is not expected to impact splicing.

NM_032043.3(BRIP1):c.3189G>C (p.Ser1063=)

Gene: BRIP1 (BRCA1 interacting DNA helicase 1; minus strand). Cytogenetic location: 17q23.2.
Variant type: single nucleotide variant.
Coding change: c.3189G>C on transcript NM_032043.3 (MANE Select); coding-DNA position 3189, G replaced by C.
Protein change: p.Ser1063=; no amino-acid change (serine 1063 retained).
Molecular consequence: synonymous variant.
Genome position (GRCh38, 1-based): chr17:61,683,857, C>G on the plus strand (G>C on the coding strand, the complement: BRIP1 is on the minus strand). VCF-style: chr17-61683857-C-G. GRCh37 (hg19) VCF-style: chr17-59761218-C-G.
Identifiers: ClinVar variation 3379131 (VCV003379131.1).